The following is an entry in ClinVar:

NM_003816.3(ADAM9):c.1760T>C (p.Val587Ala)

Gene: ADAM9 (ADAM metallopeptidase domain 9; plus strand). Cytogenetic location: 8p11.22.
Variant type: single nucleotide variant.
Coding change: c.1760T>C on transcript NM_003816.3 (MANE Select); coding-DNA position 1760, T replaced by C.
Protein change: p.Val587Ala; replaces valine 587 with alanine.
Molecular consequence: missense variant. On other transcripts: non-coding transcript variant (3).
Genome position (GRCh38, 1-based): chr8:39,077,290, T>C. VCF-style: chr8-39077290-T-C. GRCh37 (hg19) VCF-style: chr8-38934809-T-C.
Other names: short protein forms V587A.
Identifiers: ClinVar variation 1506018 (VCV001506018.6), dbSNP rs753431861, ClinGen allele CA175196223.
Genomic context (GRCh38, chr8:39,077,290, plus strand): 5'-ATGCTTTGTGTGGAAAGCTTCAGTGTGAGAATGTACAAGAGATACCTGTATTTGGAATTG[T>C]GCCTGCTATTATTCAAACGCCTAGTCGAGGCACCAAATGTTGGGGTGTGGATTTCCAGCT-3'
Protein context (NP_003807.1, residues 577-597): NVQEIPVFGI[Val587Ala]PAIIQTPSRG

ClinVar aggregate classification (germline): Uncertain significance (1 of 4 stars; one submission).

Allele frequency attached by ClinVar (database versions not stated): gnomAD exomes below 0.00001; TOPMed 0.00001.
gnomAD v4.1: 2 of 1,614,188 alleles (0.00012%); highest among the groups gnomAD compares: Non-Finnish European, 0.00017%; no homozygotes.

Submission:

Labcorp Genetics (formerly Invitae), Labcorp
Classification: Uncertain significance. Last evaluated: 2024-03-04. Review status: criteria provided, single submitter. Criteria: Invitae Variant Classification Sherloc (09022015). Collection method: clinical testing. Allele origin: germline.
Comment: This sequence change replaces valine, which is neutral and non-polar, with alanine, which is neutral and non-polar, at codon 587 of the ADAM9 protein (p.Val587Ala). This variant is not present in population databases (gnomAD no frequency). This variant has not been reported in the literature in individuals affected with ADAM9-related conditions. ClinVar contains an entry for this variant (Variation ID: 1506018). Advanced modeling of protein sequence and biophysical properties (such as structural, functional, and spatial information, amino acid conservation, physicochemical variation, residue mobility, and thermodynamic stability) performed at Invitae indicates that this missense variant is not expected to disrupt ADAM9 protein function with a negative predictive value of 80%. In summary, the available evidence is currently insufficient to determine the role of this variant in disease. Therefore, it has been classified as a Variant of Uncertain Significance.